The following is an entry in ClinVar:

NM_015164.4(PLEKHM2):c.3029G>A (p.Arg1010His)

Gene: PLEKHM2 (pleckstrin homology and RUN domain containing M2; plus strand). Cytogenetic location: 1p36.21.
Variant type: single nucleotide variant.
Coding change: c.3029G>A on transcript NM_015164.4 (MANE Select); coding-DNA position 3029, G replaced by A.
Protein change: p.Arg1010His; replaces arginine 1010 with histidine.
Molecular consequence: missense variant.
Genome position (GRCh38, 1-based): chr1:15,733,903, G>A. VCF-style: chr1-15733903-G-A. GRCh37 (hg19) VCF-style: chr1-16060398-G-A.
Other names: short protein forms R1010H.
Identifiers: ClinVar variation 861830 (VCV000861830.9), dbSNP rs745963513, ClinGen allele CA617435.
Genomic context (GRCh38, chr1:15,733,903, plus strand): 5'-AATTCGAGGATGCCTTGAGCCTCATCCACAGCGCCTGGCAGCGGAGCGACAGTCTCTGCC[G>A]CGGCCGAGCCTCCCGAGACCCCTGGTGCTGAGGCAGAGCTGGTTGGCGTCCCTGGTGGGC-3'
Protein context (NP_055979.2, residues 1000-1019): SAWQRSDSLC[Arg1010His]GRASRDPWC

ClinVar aggregate classification (germline): Uncertain significance. Review status: criteria provided, multiple submitters, no conflicts (2 of 4 stars). 2 submissions from 2 submitters: Uncertain significance (2). Last evaluated 2025-07-15.

Conditions:
Dilated Cardiomyopathy, Recessive.

Allele frequency attached by ClinVar (database versions not stated): gnomAD exomes 0.00001 and 0.00002; ExAC 0.00002; gnomAD 0.00009 and 0.00010; TOPMed 0.00009.
gnomAD v4.1: 37 of 1,612,678 alleles (0.0023%); highest among the groups gnomAD compares: African/African-American, 0.024%; no homozygotes.

Submissions (2):

Ambry Genetics
Classification: Uncertain significance. Last evaluated: 2025-07-15. Review status: criteria provided, single submitter. Criteria: Ambry Variant Classification Scheme 2023. Collection method: clinical testing. Allele origin: germline.

Labcorp Genetics (formerly Invitae), Labcorp
Classification: Uncertain significance. Last evaluated: 2024-05-12. Review status: criteria provided, single submitter. Criteria: Invitae Variant Classification Sherloc (09022015). Collection method: clinical testing. Allele origin: germline.
Comment: This sequence change replaces arginine, which is basic and polar, with histidine, which is basic and polar, at codon 1010 of the PLEKHM2 protein (p.Arg1010His). This variant is present in population databases (rs745963513, gnomAD 0.02%). This variant has not been reported in the literature in individuals affected with PLEKHM2-related conditions. ClinVar contains an entry for this variant (Variation ID: 861830). An algorithm developed to predict the effect of missense changes on protein structure and function (PolyPhen-2) suggests that this variant is likely to be disruptive. In summary, the available evidence is currently insufficient to determine the role of this variant in disease. Therefore, it has been classified as a Variant of Uncertain Significance.